The following is an entry in ClinVar:

ClinVar aggregate classification (germline): Uncertain significance (1 of 4 stars; one submission).

gnomAD v4.1: 4 of 1,614,204 alleles (0.00025%); highest among the groups gnomAD compares: South Asian, 0.0011%; no homozygotes.

Submission:

Ambry Genetics
Classification: Uncertain significance. Last evaluated: 2025-08-25. Review status: criteria provided, single submitter. Criteria: Ambry Variant Classification Scheme 2023. Collection method: clinical testing. Allele origin: germline.
Comment: The p.H337R variant (also known as c.1010A>G), located in coding exon 10 of the SRP72 gene, results from an A to G substitution at nucleotide position 1010. The histidine at codon 337 is replaced by arginine, an amino acid with highly similar properties. This amino acid position is conserved. In addition, this alteration is predicted to be tolerated by in silico analysis. Based on the available evidence, the clinical significance of this variant remains unclear.

NM_006947.4(SRP72):c.1010A>G (p.His337Arg)

Gene: SRP72 (signal recognition particle 72; plus strand). Cytogenetic location: 4q12.
Variant type: single nucleotide variant.
Coding change: c.1010A>G on transcript NM_006947.4 (MANE Select); coding-DNA position 1010, A replaced by G.
Protein change: p.His337Arg; replaces histidine 337 with arginine.
Molecular consequence: missense variant. On other transcripts: non-coding transcript variant (1).
Genome position (GRCh38, 1-based): chr4:56,484,788, A>G. VCF-style: chr4-56484788-A-G. GRCh37 (hg19) VCF-style: chr4-57350954-A-G.
Other names: c.827A>G, p.His276Arg (NM_001267722.2); short protein forms H276R, H337R.
Identifiers: ClinVar variation 3801527 (VCV003801527.2).